The following is an entry in ClinVar:

ClinVar aggregate classification (germline): Uncertain significance. Review status: criteria provided, multiple submitters, no conflicts (2 of 4 stars). 5 submissions from 5 submitters: Uncertain significance (5). Last evaluated 2025-07-15.

Conditions:
Inborn genetic diseases. Identifiers: MedGen C0950123, MeSH D030342.
Sinoatrial node dysfunction and deafness (SANDD). Identifiers: Orphanet 324321, MedGen C3554018, MONDO:0013960, OMIM 614896.
Aldosterone-producing adenoma with seizures and neurological abnormalities. Also called: Primary aldosteronism, seizures, and neurologic abnormalities. Identifiers: Orphanet 369929, MedGen C3809609, MONDO:0014200, OMIM 615474.

Allele frequency attached by ClinVar (database versions not stated): gnomAD exomes below 0.00001; ESP Exome Variant Server 0.00008; ExAC 0.00002; TOPMed 0.00002; gnomAD 0.00003.
gnomAD v4.1: 8 of 1,614,024 alleles (0.0005%); highest among the groups gnomAD compares: African/African-American, 0.0013%; no homozygotes.

Submissions (5):

Ambry Genetics
Classification: Uncertain significance for Inborn genetic diseases. Last evaluated: 2025-07-15. Review status: criteria provided, single submitter. Criteria: Ambry Variant Classification Scheme 2023. Collection method: clinical testing. Allele origin: germline.

Labcorp Genetics (formerly Invitae), Labcorp
Classification: Uncertain significance. Last evaluated: 2025-05-19. Review status: criteria provided, single submitter. Criteria: Invitae Variant Classification Sherloc (09022015). Collection method: clinical testing. Allele origin: germline.
Comment: This sequence change replaces aspartic acid, which is acidic and polar, with asparagine, which is neutral and polar, at codon 1105 of the CACNA1D protein (p.Asp1105Asn). This variant is present in population databases (rs374721231, gnomAD 0.004%). This variant has not been reported in the literature in individuals affected with CACNA1D-related conditions. ClinVar contains an entry for this variant (Variation ID: 2439650). Invitae Evidence Modeling of protein sequence and biophysical properties (such as structural, functional, and spatial information, amino acid conservation, physicochemical variation, residue mobility, and thermodynamic stability) indicates that this missense variant is not expected to disrupt CACNA1D protein function with a negative predictive value of 80%. In summary, the available evidence is currently insufficient to determine the role of this variant in disease. Therefore, it has been classified as a Variant of Uncertain Significance.

Blueprint Genetics
Classification: Uncertain significance. Last evaluated: 2023-12-19. Review status: criteria provided, single submitter. Criteria: ACMG Guidelines, 2015. Collection method: clinical testing. Allele origin: germline.

Revvity Omics, Revvity
Classification: Uncertain significance. Last evaluated: 2020-05-26. Review status: criteria provided, single submitter. Criteria: ACMG Guidelines, 2015. Collection method: clinical testing. Allele origin: germline.

Juno Genomics, Hangzhou Juno Genomics, Inc
Classification: Uncertain significance for Sinoatrial node dysfunction and deafness; Aldosterone-producing adenoma with seizures and neurological abnormalities. Review status: criteria provided, single submitter. Criteria: ACMG Guidelines, 2015. Collection method: clinical testing. Allele origin: germline.
Comment: Absent from controls (or at extremely low frequency if recessive) in Genome Aggregation Database.;Missense variant in a gene that has a low rate of benign missense variation.;Multiple lines of computational evidence support a deleterious effect on the gene or gene product.

NM_001128840.3(CACNA1D):c.3253G>A (p.Asp1085Asn)

Gene: CACNA1D (calcium voltage-gated channel subunit alpha1 D; plus strand). Cytogenetic location: 3p21.1.
Variant type: single nucleotide variant.
Coding change: c.3253G>A on transcript NM_001128840.3 (MANE Select); coding-DNA position 3253, G replaced by A.
Protein change: p.Asp1085Asn; replaces aspartic acid 1085 with asparagine.
Molecular consequence: missense variant.
Genome position (GRCh38, 1-based): chr3:53,747,387, G>A. VCF-style: chr3-53747387-G-A. GRCh37 (hg19) VCF-style: chr3-53781414-G-A.
Other names: c.3313G>A, p.Asp1105Asn (NM_000720.4); c.3253G>A, p.Asp1085Asn (NM_001128839.3); c.3313G>A (NM_000720.2); short protein forms D1085N, D1105N.
Identifiers: ClinVar variation 2439650 (VCV002439650.10), dbSNP rs374721231, ClinGen allele CA2454504.